The following is an entry in ClinVar:

NM_001270508.2(TNFAIP3):c.105del (p.Ile36fs)

Gene: TNFAIP3 (TNF alpha induced protein 3; plus strand). Cytogenetic location: 6q23.3.
Variant type: Deletion.
Coding change: c.105del on transcript NM_001270508.2 (MANE Select); coding-DNA position 105, one base deleted (G; older notation c.105delG).
Protein change: p.Ile36fs; shifts the reading frame from isoleucine 36.
Molecular consequence: frameshift variant.
Genome position (GRCh38, 1-based): chr6:137,871,332, G deleted; the last of 3 consecutive G bases (chr6:137,871,330-137,871,332); deleting any one gives the same sequence. VCF-style (leftmost placement, unchanged base first): chr6-137871329-TG-T. GRCh37 (hg19) VCF-style: chr6-138192466-TG-T.
Other names: c.105del, p.Ile36fs (NM_001270507.2, NM_006290.4); short protein forms I36fs.
Identifiers: ClinVar variation 1711639 (VCV001711639.30), dbSNP rs2482708060, ClinGen allele CA2580075095.

ClinVar aggregate classification (germline): Pathogenic (1 of 4 stars; one submission).

Submission:

CeGaT Center for Human Genetics Tuebingen
Classification: Pathogenic. Last evaluated: 2022-08-01. Review status: criteria provided, single submitter. Criteria: CeGaT Center For Human Genetics Tuebingen Variant Classification Criteria Version 2. Collection method: clinical testing. Allele origin: germline. Affected: yes. Observed: 1 variant allele.
Comment: TNFAIP3: PVS1, PS2, PM2